The following is an entry in ClinVar:

ClinVar aggregate classification (germline): Uncertain significance. Review status: criteria provided, multiple submitters, no conflicts (2 of 4 stars). 2 submissions from 2 submitters: Uncertain significance (2). Last evaluated 2025-11-10.

Allele frequency attached by ClinVar (database versions not stated): TOPMed below 0.00001; gnomAD exomes 0.00001 and 0.00003; ExAC 0.00002.

Submissions (2):

Labcorp Genetics (formerly Invitae), Labcorp
Classification: Uncertain significance. Last evaluated: 2025-11-10. Review status: criteria provided, single submitter. Criteria: Invitae Variant Classification Sherloc (09022015). Collection method: clinical testing. Allele origin: germline.
Comment: This sequence change replaces lysine, which is basic and polar, with glutamic acid, which is acidic and polar, at codon 840 of the NEFH protein (p.Lys840Glu). This variant is present in population databases (rs750908593, gnomAD 0.003%). This variant has not been reported in the literature in individuals affected with NEFH-related conditions. ClinVar contains an entry for this variant (Variation ID: 1501673). Invitae Evidence Modeling of protein sequence and biophysical properties (such as structural, functional, and spatial information, amino acid conservation, physicochemical variation, residue mobility, and thermodynamic stability) indicates that this missense variant is not expected to disrupt NEFH protein function with a negative predictive value of 95%. In summary, the available evidence is currently insufficient to determine the role of this variant in disease. Therefore, it has been classified as a Variant of Uncertain Significance.

Breakthrough Genomics
Classification: Uncertain significance. Review status: criteria provided, single submitter. Criteria: ACMG Guidelines, 2015. Collection method: not provided. Allele origin: germline. Inheritance: Autosomal dominant inheritance. Affected: yes.

NM_021076.4(NEFH):c.2518A>G (p.Lys840Glu)

Gene: NEFH (neurofilament heavy chain; plus strand). Cytogenetic location: 22q12.2.
Variant type: single nucleotide variant.
Coding change: c.2518A>G on transcript NM_021076.4 (MANE Select); coding-DNA position 2518, A replaced by G.
Protein change: p.Lys840Glu; replaces lysine 840 with glutamic acid.
Molecular consequence: missense variant.
Genome position (GRCh38, 1-based): chr22:29,490,158, A>G. VCF-style: chr22-29490158-A-G. GRCh37 (hg19) VCF-style: chr22-29886147-A-G.
Other names: short protein forms K840E.
Identifiers: ClinVar variation 1501673 (VCV001501673.9), dbSNP rs750908593, ClinGen allele CA10174445.